The following is an entry in ClinVar:

Single allele

Genes: OPN1LW (opsin 1, long wave sensitive; plus strand), OPN1MW (opsin 1, medium wave sensitive; plus strand), OPSIN-LCR (opsin locus control region; plus strand), LOC125467793 (Sharpr-MPRA regulatory region 3572; plus strand). Cytogenetic location: Xq28.
Variant type: Deletion.
Identifiers: ClinVar variation 448956 (VCV000448956.3).

ClinVar aggregate classification (germline): Pathogenic (0 of 4 stars; one submission).

Conditions:
Cone monochromatism (BCM). Also called: Color blindness blue mono cone monochromatic type; X-chromosome-linked achromatopsia; Blue cone monochromacy; Incomplete achromatopsia. Identifiers: Orphanet 16, MedGen C0339537, MONDO:0010563, OMIM 303700, HP:0007939. Disease mechanism: loss of function.

Submission:

Molecular Genetics Laboratory, Institute for Ophthalmic Research
Classification: Pathogenic for Cone monochromatism. Last evaluated: 2017-11-21. Review status: no assertion criteria provided. Collection method: research. Allele origin: de novo. Affected: yes.
Comment: De novo mutation